The following is an entry in ClinVar:

ClinVar aggregate classification (germline): Conflicting classifications of pathogenicity. Review status: criteria provided, conflicting classifications (1 of 4 stars). 4 submissions from 4 submitters: Uncertain significance (3); Likely benign (1). Last evaluated 2026-01-15.

Conditions:
FLNB-related disorder. Also called: FLNB-related condition; FLNB-related disorders. Identifiers: MedGen CN381095.
Spondylocarpotarsal synostosis syndrome (SCT). Also called: Spondylocarpotarsal Synostosis Syndrome (FLNB-SCT); SPONDYLOCARPOTARSAL SYNDROME; VERTEBRAL FUSION WITH CARPAL COALITION; Synspondylism congenital; Scoliosis, congenital with unilateral unsegmented bar. Identifiers: Orphanet 3275, MedGen C1848934, MONDO:0010094, OMIM 272460.
Atelosteogenesis type III. Also called: Atelosteogenesis Type 3 (FLNB-AO3). Identifiers: Orphanet 56305, MedGen C3668942, MONDO:0007168, OMIM 108721.
Atelosteogenesis type I. Also called: GIANT CELL CHONDRODYSPLASIA; Atelosteogenesis Type 1 (FLNB-AO1); SPONDYLOHUMEROFEMORAL HYPOPLASIA. Identifiers: Orphanet 1190, MedGen C0265283, MONDO:0007167, OMIM 108720.
Boomerang dysplasia. Identifiers: Orphanet 1263, MedGen C0432201, MONDO:0007208, OMIM 112310.
Larsen syndrome (LRS). Also called: Bilateral dislocation of the knees, pes cavus, cylindrically shaped fingers and characteristic facies; Larsen syndrome (FLNB-LS). Identifiers: Orphanet 503, MedGen C0175778, MONDO:0007875, OMIM 150250. Disease mechanism: loss of function.

Allele frequency attached by ClinVar (database versions not stated): ExAC 0.00002; gnomAD exomes 0.00002 and 0.00003; TOPMed 0.00004.
gnomAD v4.1: 53 of 1,614,000 alleles (0.0033%); highest among the groups gnomAD compares: Admixed American, 0.005%; no homozygotes.

Submissions (4):

Labcorp Genetics (formerly Invitae), Labcorp
Classification: Likely benign. Last evaluated: 2026-01-15. Review status: criteria provided, single submitter. Criteria: Invitae Variant Classification Sherloc (09022015). Collection method: clinical testing. Allele origin: germline.

PreventionGenetics, part of Exact Sciences
Classification: Uncertain significance for FLNB-related condition. Last evaluated: 2023-04-24. Review status: criteria provided, single submitter. Criteria: ACMG Guidelines, 2015. Collection method: clinical testing. Allele origin: germline.
Comment: The FLNB c.3325G>A variant is predicted to result in the amino acid substitution p.Val1109Ile. To our knowledge, this variant has not been reported in the literature. This variant is reported in 0.0056% of alleles in individuals of Latino descent in gnomAD. At this time, the clinical significance of this variant is uncertain due to the absence of conclusive functional and genetic evidence.

Fulgent Genetics
Classification: Uncertain significance for Atelosteogenesis type I; Atelosteogenesis type III; Boomerang dysplasia; Larsen syndrome; Spondylocarpotarsal synostosis syndrome. Last evaluated: 2021-08-16. Review status: criteria provided, single submitter. Criteria: ACMG Guidelines, 2015. Collection method: clinical testing. Allele origin: unknown.

GeneDx
Classification: Uncertain significance. Last evaluated: 2019-07-10. Review status: criteria provided, single submitter. Criteria: GeneDx Variant Classification Process June 2021. Collection method: clinical testing. Allele origin: germline. Affected: yes.
Comment: Has not been previously published as pathogenic or benign to our knowledge; In silico analysis, which includes protein predictors and evolutionary conservation, supports that this variant does not alter protein structure/function

NM_001457.4(FLNB):c.3325G>A (p.Val1109Ile)

Gene: FLNB (filamin B; plus strand). Cytogenetic location: 3p14.3.
Variant type: single nucleotide variant.
Coding change: c.3325G>A on transcript NM_001457.4 (MANE Select); coding-DNA position 3325, G replaced by A.
Protein change: p.Val1109Ile; replaces valine 1109 with isoleucine.
Molecular consequence: missense variant.
Genome position (GRCh38, 1-based): chr3:58,123,291, G>A. VCF-style: chr3-58123291-G-A. GRCh37 (hg19) VCF-style: chr3-58109018-G-A.
Other names: c.3325G>A, p.Val1109Ile (NM_001164317.2, NM_001164318.2, NM_001164319.2); short protein forms V1109I.
Identifiers: ClinVar variation 1306802 (VCV001306802.7), dbSNP rs200947960, ClinGen allele CA2468388.